The following is an entry in ClinVar:

ClinVar aggregate classification (germline): Uncertain significance. Review status: criteria provided, multiple submitters, no conflicts (2 of 4 stars). 3 submissions from 3 submitters: Uncertain significance (3). Last evaluated 2022-03-10.

Conditions:
Emery-Dreifuss muscular dystrophy 4, autosomal dominant (EDMD4). Also called: EMERY-DREIFUSS MUSCULAR DYSTROPHY 4 WITH VARIABLE FEATURES. Identifiers: Orphanet 261, MedGen C2751807, MONDO:0013071, OMIM 612998.
Autosomal recessive ataxia, Beauce type. Also called: Spinocerebellar ataxia, autosomal recessive 8; ATAXIA, RECESSIVE, OF BEAUCE; SYNE1-Related Autosomal Recessive Cerebellar Ataxia; SYNE1 Deficiency. Identifiers: Orphanet 88644, MedGen C1853116, MONDO:0012549, OMIM 610743.

Allele frequency attached by ClinVar (database versions not stated): gnomAD exomes below 0.00001.
gnomAD v4.1: 3 of 1,613,356 alleles (0.00019%); highest among the groups gnomAD compares: Admixed American, 0.0017%; no homozygotes.

Submissions (3):

Labcorp Genetics (formerly Invitae), Labcorp
Classification: Uncertain significance for Emery-Dreifuss muscular dystrophy 4, autosomal dominant; Autosomal recessive ataxia, Beauce type. Last evaluated: 2022-03-10. Review status: criteria provided, single submitter. Criteria: Invitae Variant Classification Sherloc (09022015). Collection method: clinical testing. Allele origin: germline.
Comment: In summary, the available evidence is currently insufficient to determine the role of this variant in disease. Therefore, it has been classified as a Variant of Uncertain Significance. Variants that disrupt the consensus splice site are a relatively common cause of aberrant splicing (PMID: 17576681, 9536098). Algorithms developed to predict the effect of sequence changes on RNA splicing suggest that this variant is not likely to affect RNA splicing. ClinVar contains an entry for this variant (Variation ID: 843553). This variant has not been reported in the literature in individuals affected with SYNE1-related conditions. This variant is present in population databases (no rsID available, gnomAD 0.003%). This sequence change falls in intron 36 of the SYNE1 gene. It does not directly change the encoded amino acid sequence of the SYNE1 protein. It affects a nucleotide within the consensus splice site.

Athena Diagnostics
Classification: Uncertain significance. Last evaluated: 2020-02-27. Review status: criteria provided, single submitter. Criteria: Athena Diagnostics Criteria. Collection method: clinical testing. Allele origin: unknown.

Revvity Omics, Revvity
Classification: Uncertain significance. Last evaluated: 2019-02-15. Review status: criteria provided, single submitter. Criteria: ACMG Guidelines, 2015. Collection method: clinical testing. Allele origin: germline.

Literature cited by the submitters: PubMed 17576681 (cited by Labcorp Genetics (formerly Invitae), Labcorp); PubMed 9536098 (cited by Labcorp Genetics (formerly Invitae), Labcorp).

NM_182961.4(SYNE1):c.4789-3T>C

Gene: SYNE1 (spectrin repeat containing nuclear envelope protein 1; minus strand). Cytogenetic location: 6q25.2.
Variant type: single nucleotide variant.
Coding change: c.4789-3T>C on transcript NM_182961.4 (MANE Select); 3 bases into the intron before coding-DNA position 4789, T replaced by C.
Molecular consequence: intron variant.
Genome position (GRCh38, 1-based): chr6:152,428,395, A>G on the plus strand (T>C on the coding strand, the complement: SYNE1 is on the minus strand). VCF-style: chr6-152428395-A-G. GRCh37 (hg19) VCF-style: chr6-152749530-A-G.
Other names: c.4810-3T>C (NM_033071.5).
Identifiers: ClinVar variation 843553 (VCV000843553.11), dbSNP rs1228194784, ClinGen allele CA571438371.